The following is an entry in ClinVar:

NM_021098.3(CACNA1H):c.3364-5C>A

Gene: CACNA1H (calcium voltage-gated channel subunit alpha1 H; plus strand). Cytogenetic location: 16p13.3.
Variant type: single nucleotide variant.
Coding change: c.3364-5C>A on transcript NM_021098.3 (MANE Select); 5 bases into the intron before coding-DNA position 3364, C replaced by A.
Molecular consequence: intron variant.
Genome position (GRCh38, 1-based): chr16:1,209,027, C>A. VCF-style: chr16-1209027-C-A. GRCh37 (hg19) VCF-style: chr16-1259027-C-A.
Other names: c.3364-5C>A (NM_001005407.2).
Identifiers: ClinVar variation 1469419 (VCV001469419.8), dbSNP rs768382135, ClinGen allele CA7800750.

ClinVar aggregate classification (germline): Uncertain significance (1 of 4 stars; one submission).

Conditions:
Idiopathic generalized epilepsy. Also called: Generalised epilepsy; EIG. Identifiers: MedGen C0270850, MONDO:0005579, OMIM 600669.
Hyperaldosteronism, familial, type IV (HALD4). Also called: FH IV; ALDOSTERONISM, PRIMARY, AND HYPERTENSION. Identifiers: Orphanet 642671, MedGen C4310756, MONDO:0014875, OMIM 617027.

Allele frequency attached by ClinVar (database versions not stated): ExAC 0.00004.
gnomAD v4.1: 8 of 1,500,186 alleles (0.00053%); highest among the groups gnomAD compares: South Asian, 0.0095%; no homozygotes.

Submission:

Labcorp Genetics (formerly Invitae), Labcorp
Classification: Uncertain significance for Idiopathic generalized epilepsy; Hyperaldosteronism, familial, type IV. Last evaluated: 2022-02-24. Review status: criteria provided, single submitter. Criteria: Invitae Variant Classification Sherloc (09022015). Collection method: clinical testing. Allele origin: germline.
Comment: This sequence change falls in intron 16 of the CACNA1H gene. It does not directly change the encoded amino acid sequence of the CACNA1H protein. The frequency data for this variant in the population databases is considered unreliable, as metrics indicate poor data quality at this position in the gnomAD database. This variant has not been reported in the literature in individuals affected with CACNA1H-related conditions. Algorithms developed to predict the effect of sequence changes on RNA splicing suggest that this variant may disrupt the consensus splice site. In summary, the available evidence is currently insufficient to determine the role of this variant in disease. Therefore, it has been classified as a Variant of Uncertain Significance.